The following is an entry in ClinVar:

ClinVar aggregate classification (germline): Likely benign. Review status: criteria provided, single submitter (1 of 4 stars). 2 submissions from 2 submitters: Likely benign (1). 1 of the submissions does not count toward it. Last evaluated 2022-10-18.

Conditions:
CUL4B-related disorder. Also called: CUL4B-related condition.
X-linked intellectual disability Cabezas type (MRXSC). Also called: CABEZAS SYNDROME; MENTAL RETARDATION, X-LINKED, SYNDROMIC 15; Intellectual developmental disorder, X-linked syndromic, Cabezas type. Identifiers: Orphanet 85289, Orphanet 85293, MedGen C1845861, MONDO:0010306, OMIM 300354.

Allele frequency attached by ClinVar (database versions not stated): TOPMed below 0.00001.
gnomAD v4.1: 4 of 1,209,938 alleles (0.00033%); highest among the groups gnomAD compares: Admixed American, 0.0044%; no homozygotes.

Submissions (2):

Labcorp Genetics (formerly Invitae), Labcorp
Classification: Likely benign for X-linked intellectual disability Cabezas type. Last evaluated: 2022-10-18. Review status: criteria provided, single submitter. Criteria: Invitae Variant Classification Sherloc (09022015). Collection method: clinical testing. Allele origin: germline.

PreventionGenetics, part of Exact Sciences
Classification: Likely benign for CUL4B-related condition. Last evaluated: 2021-07-19. Review status: no assertion criteria provided. Collection method: clinical testing. Allele origin: germline. Not counted in ClinVar's aggregate classification.
Comment: This variant is classified as likely benign based on ACMG/AMP sequence variant interpretation guidelines (Richards et al. 2015 PMID: 25741868, with internal and published modifications).

NM_001079872.2(CUL4B):c.378A>C (p.Ser126=)

Genes: CUL4B (cullin 4B; minus strand), LOC113845788 (Sharpr-MPRA regulatory region 11856; plus strand). Cytogenetic location: Xq24.
Variant type: single nucleotide variant.
Coding change: c.378A>C on transcript NM_001079872.2 (MANE Select); coding-DNA position 378, A replaced by C.
Protein change: p.Ser126=; no amino-acid change (serine 126 retained).
Molecular consequence: synonymous variant.
Genome position (GRCh38, 1-based): chrX:120,560,261, T>G on the plus strand (A>C on the coding strand, the complement: CUL4B is on the minus strand). VCF-style: chrX-120560261-T-G. GRCh37 (hg19) VCF-style: chrX-119694116-T-G.
Other names: c.393A>C, p.Ser131= (NM_001330624.2); c.432A>C, p.Ser144= (NM_003588.4); c.432A>C (NM_003588.3).
Identifiers: ClinVar variation 1916607 (VCV001916607.7), dbSNP rs1022353335, ClinGen allele CA10505703.
Genomic context (GRCh38, chrX:120,560,261, plus strand): 5'-GATTAATATACTCTTATTTTTAAGTTGCTGCTGCTGAGATGTTGCAGCAGTTGGTGAAGA[T>G]GAGGAGGAGGAGGAGGAGGATTCCTCAGCCATCTTCGCATCAAACCCTACAAACTCCAGG-3'
Protein context (NP_001073341.1, residues 116-136): MAEESSSSSS[Ser126=]SSPTAATSQQ